The following is an entry in ClinVar:

NM_000179.3(MSH6):c.3228_3229insAGC (p.Arg1076_Pro1077insSer)

Gene: MSH6 (mutS homolog 6; plus strand). Cytogenetic location: 2p16.3.
Variant type: Insertion.
Coding change: c.3228_3229insAGC on transcript NM_000179.3 (MANE Select); coding-DNA positions 3228 to 3229, AGC inserted.
Protein change: p.Arg1076_Pro1077insSer.
Molecular consequence: inframe insertion. On other transcripts: inframe indel (37).
Genome position: GRCh38 VCF-style: chr2-47803473-C-CGCA. GRCh37 (hg19) VCF-style: chr2-48030612-C-CGCA.
Other names: c.2931_2932insAGC, p.Arg977_Pro978insSer (NM_001406797.1, NM_001406801.1, NM_001406805.1 and 10 more transcripts); c.2703_2704insAGC, p.Arg901_Pro902insSer (NM_001406799.1, NM_001406806.1, NM_001406807.1); c.3228_3229insAGC, p.Arg1076_Pro1077insSer (NM_001406800.1, NM_001406808.1, NM_001406809.1 and 1 more transcripts); c.3324_3325insAGC, p.Arg1108_Pro1109insSer (NM_001406802.1, NM_001406795.1); c.2364_2365insAGC, p.Arg788_Pro789insSer (NM_001406803.1); c.3150_3151insAGC, p.Arg1050_Pro1051insSer (NM_001406804.1); c.2322_2323insAGC, p.Arg774_Pro775insSer (NM_001406811.1, NM_001406812.1, NM_001406814.1 and 6 more transcripts); c.3234_3235insAGC, p.Arg1078_Pro1079insSer (NM_001406813.1); and 6 more.
Identifiers: ClinVar variation 1994636 (VCV001994636.4), dbSNP rs2530761080, ClinGen allele CA2580066980.
Genomic context (GRCh38, chr2:47,803,473, plus strand): 5'-TTAACAGATGTTTTACTGTGCCTGGCTAACTATAGTCGAGGGGGTGATGGTCCTATGTGT[C>CGCA]GCCCAGTAATTCTGTTGCCGGAAGATACCCCCCCCTTCTTAGAGCTTAAAGGATCACGCC-3'

ClinVar aggregate classification (germline): Uncertain significance (1 of 4 stars; one submission).

Conditions:
Hereditary nonpolyposis colorectal neoplasms. Identifiers: MedGen C0009405, MeSH D003123.

Submission:

Labcorp Genetics (formerly Invitae), Labcorp
Classification: Uncertain significance for Hereditary nonpolyposis colorectal neoplasms. Last evaluated: 2022-05-15. Review status: criteria provided, single submitter. Criteria: Invitae Variant Classification Sherloc (09022015). Collection method: clinical testing. Allele origin: germline.
Comment: This variant, c.3228_3229insAGC, results in the insertion of 1 amino acid(s) of the MSH6 protein (p.Arg1076_Pro1077insSer), but otherwise preserves the integrity of the reading frame. This variant is not present in population databases (gnomAD no frequency). This variant has not been reported in the literature in individuals affected with MSH6-related conditions. In summary, the available evidence is currently insufficient to determine the role of this variant in disease. Therefore, it has been classified as a Variant of Uncertain Significance.